The following is an entry in ClinVar:

NM_173500.4(TTBK2):c.1015C>T (p.Leu339Phe)

Gene: TTBK2 (tau tubulin kinase 2; minus strand). Cytogenetic location: 15q15.2.
Variant type: single nucleotide variant.
Coding change: c.1015C>T on transcript NM_173500.4 (MANE Select); coding-DNA position 1015, C replaced by T.
Protein change: p.Leu339Phe; replaces leucine 339 with phenylalanine.
Molecular consequence: missense variant.
Genome position (GRCh38, 1-based): chr15:42,783,601, G>A on the plus strand (C>T on the coding strand, the complement: TTBK2 is on the minus strand). VCF-style: chr15-42783601-G-A. GRCh37 (hg19) VCF-style: chr15-43075799-G-A.
Other names: short protein forms L339F.
Identifiers: ClinVar variation 586776 (VCV000586776.8), dbSNP rs371538715, ClinGen allele CA7516981.

ClinVar aggregate classification (germline): Conflicting classifications of pathogenicity. Review status: criteria provided, conflicting classifications (1 of 4 stars). 3 submissions from 3 submitters: Uncertain significance (2); Likely benign (1). Last evaluated 2026-01-27.

Conditions:
Inborn genetic diseases. Identifiers: MedGen C0950123, MeSH D030342.

Allele frequency attached by ClinVar (database versions not stated): ExAC 0.00002; gnomAD exomes 0.00004; gnomAD 0.00013; ESP Exome Variant Server 0.00017; TOPMed 0.00018.
gnomAD v4.1: 35 of 1,613,916 alleles (0.0022%); highest among the groups gnomAD compares: African/African-American, 0.041%; no homozygotes.

Submissions (3):

Labcorp Genetics (formerly Invitae), Labcorp
Classification: Uncertain significance. Last evaluated: 2026-01-27. Review status: criteria provided, single submitter. Criteria: Invitae Variant Classification Sherloc (09022015). Collection method: clinical testing. Allele origin: germline.
Comment: This sequence change replaces leucine, which is neutral and non-polar, with phenylalanine, which is neutral and non-polar, at codon 339 of the TTBK2 protein (p.Leu339Phe). This variant is present in population databases (rs371538715, gnomAD 0.05%). This variant has not been reported in the literature in individuals affected with TTBK2-related conditions. ClinVar contains an entry for this variant (Variation ID: 586776). Invitae Evidence Modeling of protein sequence and biophysical properties (such as structural, functional, and spatial information, amino acid conservation, physicochemical variation, residue mobility, and thermodynamic stability) indicates that this missense variant is not expected to disrupt TTBK2 protein function with a negative predictive value of 80%. In summary, the available evidence is currently insufficient to determine the role of this variant in disease. Therefore, it has been classified as a Variant of Uncertain Significance.

Ambry Genetics
Classification: Uncertain significance for Inborn genetic diseases. Last evaluated: 2024-01-23. Review status: criteria provided, single submitter. Criteria: Ambry Variant Classification Scheme 2023. Collection method: clinical testing. Allele origin: germline.

Athena Diagnostics
Classification: Likely benign. Last evaluated: 2018-03-26. Review status: criteria provided, single submitter. Criteria: Athena Diagnostics Criteria. Collection method: clinical testing. Allele origin: germline.